The following is an entry in ClinVar:

ClinVar aggregate classification (germline): Uncertain significance (1 of 4 stars; one submission).

Conditions:
Malignant hyperthermia, susceptibility to, 1 (MHS1). Also called: Anesthesia related hyperthermia; Malignant hyperpyrexia; Fulminating hyperpyrexia; Pharmacogenic myopathy; RYR1-Related Malignant Hyperthermia Susceptibility; Malignant hyperthermia suceptibility 1. Identifiers: Orphanet 423, MedGen C2930980, MONDO:0007783, OMIM 145600.

Submission:

All of Us Research Program, National Institutes of Health
Classification: Uncertain significance for Malignant hyperthermia, susceptibility to, 1. Last evaluated: 2024-06-09. Review status: criteria provided, single submitter. Criteria: ACMG Guidelines, 2015. Collection method: clinical testing. Allele origin: germline. Inheritance: Autosomal dominant inheritance. Observed: 1 variant allele, 1 heterozygote.
Comment: This missense variant replaces leucine with valine at codon 1771 of the RYR1 protein. Computational prediction suggests that this variant may not impact protein structure and function (internally defined REVEL score threshold <= 0.5, PMID: 27666373). To our knowledge, functional studies have not been reported for this variant. This variant has not been reported in individuals affected with RYR1-related disorders in the literature. This variant has not been identified in the general population by the Genome Aggregation Database (gnomAD). The available evidence is insufficient to determine the role of this variant in disease conclusively. Therefore, this variant is classified as a Variant of Uncertain Significance.

This study involves interpretation of variants in research participants for the purpose of population health screening. Participant phenotype was not available at the time of variant classification. Additional details can be found in publication PMID: 35346344, PMCID: PMC8962531

NM_000540.3(RYR1):c.5311C>G (p.Leu1771Val)

Gene: RYR1 (ryanodine receptor 1; plus strand). Cytogenetic location: 19q13.2.
Variant type: single nucleotide variant.
Coding change: c.5311C>G on transcript NM_000540.3 (MANE Select); coding-DNA position 5311, C replaced by G.
Protein change: p.Leu1771Val; replaces leucine 1771 with valine.
Molecular consequence: missense variant.
Genome position (GRCh38, 1-based): chr19:38,485,966, C>G. VCF-style: chr19-38485966-C-G. GRCh37 (hg19) VCF-style: chr19-38976606-C-G.
Other names: c.5311C>G, p.Leu1771Val (NM_001042723.2); short protein forms L1771V.
Identifiers: ClinVar variation 3387734 (VCV003387734.1).